The following is an entry in ClinVar:

NM_004260.4(RECQL4):c.1708C>T (p.Arg570Trp)

Gene: RECQL4 (RecQ like helicase 4; minus strand). Cytogenetic location: 8q24.3.
Variant type: single nucleotide variant.
Coding change: c.1708C>T on transcript NM_004260.4 (MANE Select); coding-DNA position 1708, C replaced by T.
Protein change: p.Arg570Trp; replaces arginine 570 with tryptophan.
Molecular consequence: missense variant.
Genome position (GRCh38, 1-based): chr8:144,514,359, G>A on the plus strand (C>T on the coding strand, the complement: RECQL4 is on the minus strand). VCF-style: chr8-144514359-G-A. GRCh37 (hg19) VCF-style: chr8-145739743-G-A.
Other names: p.Arg570Trp; short protein forms R570W.
Identifiers: ClinVar variation 135130 (VCV000135130.17), dbSNP rs373178405, ClinGen allele CA161817.

ClinVar aggregate classification (germline): Uncertain significance. Review status: criteria provided, multiple submitters, no conflicts (2 of 4 stars). 6 submissions from 6 submitters: Uncertain significance (5). 1 of the submissions does not count toward it. Last evaluated 2026-01-30.

Conditions:
Rothmund-Thomson syndrome type 2 (RTS2). Identifiers: Orphanet 221016, MedGen C5203410, MONDO:0016369, OMIM 268400.
Hereditary cancer-predisposing syndrome. Also called: Tumor predisposition; Hereditary neoplastic syndrome; Neoplastic Syndromes, Hereditary; Hereditary Cancer Syndrome. Identifiers: Orphanet 140162, MedGen C0027672, MeSH D009386, MONDO:0015356.
Baller-Gerold syndrome (BGS). Also called: CRANIOSYNOSTOSIS WITH RADIAL DEFECTS. Identifiers: Orphanet 1225, MedGen C0265308, MONDO:0009039, OMIM 218600.

Allele frequency attached by ClinVar (database versions not stated): ESP Exome Variant Server 0.00016; gnomAD 0.00024 and 0.00026; ExAC 0.00029; TOPMed 0.00033; 1000 Genomes Project 0.00040; 1000 Genomes Project 30x 0.00062.
gnomAD v4.1: 823 of 1,600,080 alleles (0.051%); highest among the groups gnomAD compares: Admixed American, 0.098%; no homozygotes.

Submissions (6):

Labcorp Genetics (formerly Invitae), Labcorp
Classification: Uncertain significance for Baller-Gerold syndrome. Last evaluated: 2026-01-30. Review status: criteria provided, single submitter. Criteria: Invitae Variant Classification Sherloc (09022015). Collection method: clinical testing. Allele origin: germline.
Comment: This sequence change replaces arginine with tryptophan at codon 570 of the RECQL4 protein (p.Arg570Trp). The arginine residue is moderately conserved and there is a moderate physicochemical difference between arginine and tryptophan. This variant is present in population databases (rs373178405, gnomAD 0.1%). This variant has not been reported in the literature in individuals affected with RECQL4-related conditions. ClinVar contains an entry for this variant (Variation ID: 135130). Invitae Evidence Modeling of protein sequence and biophysical properties (such as structural, functional, and spatial information, amino acid conservation, physicochemical variation, residue mobility, and thermodynamic stability) indicates that this missense variant is not expected to disrupt RECQL4 protein function with a negative predictive value of 80%. In summary, the available evidence is currently insufficient to determine the role of this variant in disease. Therefore, it has been classified as a Variant of Uncertain Significance.

GeneDx
Classification: Uncertain significance. Last evaluated: 2025-09-08. Review status: criteria provided, single submitter. Criteria: GeneDx Variant Classification Process June 2021. Collection method: clinical testing. Allele origin: germline. Affected: yes.
Comment: In silico analysis supports that this missense variant has a deleterious effect on protein structure/function; Has not been previously published as pathogenic or benign to our knowledge; This variant is associated with the following publications: (PMID: 29641532, 24728327)

Mayo Clinic Laboratories, Mayo Clinic
Classification: Uncertain significance. Last evaluated: 2025-05-28. Review status: criteria provided, single submitter. Criteria: ACMG Guidelines, 2015. Collection method: clinical testing. Allele origin: germline. Observed: 1 variant allele.
Comment: BP4

St. Jude Molecular Pathology, St. Jude Children's Research Hospital
Classification: Uncertain significance for Rothmund-Thomson syndrome type 2. Last evaluated: 2024-08-03. Review status: criteria provided, single submitter. Criteria: St. Jude Assertion Criteria 2020. Collection method: clinical testing. Allele origin: germline.
Comment: The RECQL4 c.1708C>T (p.Arg570Trp) missense change has a maximum subpopulation frequency of 0.13% in gnomAD v2.1.1. In silico tools are inconclusive about the effect of this variant on protein function, but to our knowledge functional studies have not been performed. To our knowledge, this variant has not been reported in individuals with RECQL4-associated conditions. In summary, the evidence currently available is insufficient to determine the clinical significance of this variant. It has therefore been classified as of uncertain significance.

Sema4
Classification: Uncertain significance for Hereditary cancer-predisposing syndrome. Last evaluated: 2021-12-09. Review status: criteria provided, single submitter. Criteria: Sema4 Curation Guidelines. Collection method: curation. Allele origin: germline.
Comment: The RECQL4 c.1708C>T (p.R570W) variant has been reported in an ancestrally diverse and healthy cohort and in several healthy controls (PMID: 24728327, 29641532). This variant was observed in 46/34658 chromosomes in the Latino subpopulation, with no homozygotes, according to the Genome Aggregation Database (PMID: 32461654). This variant has been reported in ClinVar (Variation ID: 135130). Functional studies have not been performed, and in silico predictions of the variant's effect on protein function are inconclusive. The overall evidence is insufficient to meet ACMG/AMP criteria for classifying it as benign or pathogenic. In summary, the clinical significance of this variant is currently uncertain.

ITMI
No classification provided. Condition: AllHighlyPenetrant. Last evaluated: 2013-09-19. Review status: no classification provided. Collection method: reference population. Allele origin: germline. Not counted in ClinVar's aggregate classification.
Comment: Please see associated publication for description of ethnicities

Literature cited by the submitters: PubMed 24728327 (cited by Sema4 and ITMI); PubMed 29641532 (cited by Sema4).